The following is an entry in ClinVar:

NM_001257291.2(SLC9A7):c.1283A>G (p.Tyr428Cys)

Gene: SLC9A7 (solute carrier family 9 member A7; minus strand). Cytogenetic location: Xp11.3.
Variant type: single nucleotide variant.
Coding change: c.1283A>G on transcript NM_001257291.2 (MANE Select); coding-DNA position 1283, A replaced by G.
Protein change: p.Tyr428Cys; replaces tyrosine 428 with cysteine.
Molecular consequence: missense variant.
Genome position (GRCh38, 1-based): chrX:46,651,177, T>C on the plus strand (A>G on the coding strand, the complement: SLC9A7 is on the minus strand). VCF-style: chrX-46651177-T-C. GRCh37 (hg19) VCF-style: chrX-46510612-T-C.
Other names: c.1280A>G, p.Tyr427Cys (NM_032591.3); short protein forms Y427C, Y428C.
Identifiers: ClinVar variation 2503360 (VCV002503360.1), dbSNP rs2519484165, ClinGen allele CA413035531.

ClinVar aggregate classification (germline): Uncertain significance (1 of 4 stars; one submission).

Submission:

GeneDx
Classification: Uncertain significance. Last evaluated: 2022-11-22. Review status: criteria provided, single submitter. Criteria: GeneDx Variant Classification Process June 2021. Collection method: clinical testing. Allele origin: germline. Affected: yes.
Comment: Not observed at significant frequency in large population cohorts (gnomAD); In silico analysis supports that this missense variant has a deleterious effect on protein structure/function; Has not been previously published as pathogenic or benign to our knowledge